The following is an entry in ClinVar:

ClinVar aggregate classification (germline): Uncertain significance (1 of 4 stars; one submission).

Conditions:
Charcot-Marie-Tooth disease type 4. Also called: Charcot-Marie-Tooth disease, type IV; Charcot-Marie-Tooth, Type 4. Identifiers: Orphanet 64749, MedGen C4082197, MONDO:0018995.

Allele frequency attached by ClinVar (database versions not stated): gnomAD exomes below 0.00001.
gnomAD v4.1: 1 of 1,613,612 alleles (0.000062%); highest among the groups gnomAD compares: Non-Finnish European, 0.000085%; no homozygotes.

Submission:

Labcorp Genetics (formerly Invitae), Labcorp
Classification: Uncertain significance for Charcot-Marie-Tooth disease type 4. Last evaluated: 2021-11-03. Review status: criteria provided, single submitter. Criteria: Invitae Variant Classification Sherloc (09022015). Collection method: clinical testing. Allele origin: germline.
Comment: This sequence change falls in intron 8 of the SH3TC2 gene. It does not directly change the encoded amino acid sequence of the SH3TC2 protein. It affects a nucleotide within the consensus splice site. This variant is not present in population databases (gnomAD no frequency). This variant has not been reported in the literature in individuals affected with SH3TC2-related conditions. ClinVar contains an entry for this variant (Variation ID: 857735). Variants that disrupt the consensus splice site are a relatively common cause of aberrant splicing (PMID: 17576681, 9536098). Algorithms developed to predict the effect of sequence changes on RNA splicing suggest that this variant may disrupt the consensus splice site. In summary, the available evidence is currently insufficient to determine the role of this variant in disease. Therefore, it has been classified as a Variant of Uncertain Significance.

Literature cited by the submitters: PubMed 17576681; PubMed 9536098.

NM_024577.4(SH3TC2):c.1001+5G>T

Gene: SH3TC2 (SH3 domain and tetratricopeptide repeats 2; minus strand). Cytogenetic location: 5q32.
Variant type: single nucleotide variant.
Coding change: c.1001+5G>T on transcript NM_024577.4 (MANE Select); 5 bases into the intron after coding-DNA position 1001, G replaced by T.
Molecular consequence: intron variant.
Genome position (GRCh38, 1-based): chr5:149,038,290, C>A on the plus strand (G>T on the coding strand, the complement: SH3TC2 is on the minus strand). VCF-style: chr5-149038290-C-A. GRCh37 (hg19) VCF-style: chr5-148417853-C-A.
Identifiers: ClinVar variation 857735 (VCV000857735.7), dbSNP rs1754315788, ClinGen allele CA916080360.